The following is an entry in ClinVar:

ClinVar aggregate classification (germline): Benign/Likely benign. Review status: criteria provided, multiple submitters, no conflicts (2 of 4 stars). 12 submissions from 12 submitters: Benign (7); Likely benign (4). 1 of the submissions does not count toward it. Last evaluated 2026-02-01.

Conditions:
BAP1-related disorder. Also called: BAP1-related condition.
Melanoma, uveal, susceptibility to, 2 (UVM2). Also called: Melanoma, uveal 2. Identifiers: Orphanet 39044, MedGen C1847723, MONDO:0011696, OMIM 606661.
BAP1-related tumor predisposition syndrome (TPDS1). Also called: Tumor susceptibility linked to germline BAP1 mutations; COMMON Syndrome; TUMOR PREDISPOSITION SYNDROME 1; BAP1 tumor predisposition syndrome. Identifiers: Orphanet 289539, MedGen C3280492, MONDO:0013692, OMIM 614327.
Kury-Isidor syndrome (KURIS). Identifiers: MedGen C5676925, MONDO:0859230, OMIM 619762.
Hereditary cancer-predisposing syndrome. Also called: Tumor predisposition; Hereditary neoplastic syndrome; Hereditary Cancer Syndrome; Neoplastic Syndromes, Hereditary. Identifiers: Orphanet 140162, MedGen C0027672, MeSH D009386, MONDO:0015356.

Allele frequency attached by ClinVar (database versions not stated): gnomAD exomes 0.00038; ExAC 0.00043; 1000 Genomes Project 30x 0.00062; 1000 Genomes Project 0.00080; gnomAD 0.00016 and 0.00024; TOPMed 0.00028.
gnomAD v4.1: 348 of 1,613,474 alleles (0.022%); highest among the groups gnomAD compares: East Asian, 0.75%; 1 homozygote.

Submissions (12):

Labcorp Genetics (formerly Invitae), Labcorp
Classification: Benign for BAP1-related tumor predisposition syndrome. Last evaluated: 2026-02-01. Review status: criteria provided, single submitter. Criteria: Invitae Variant Classification Sherloc (09022015). Collection method: clinical testing. Allele origin: germline.

Center for Genomic Medicine, Rigshospitalet, Copenhagen University Hospital
Classification: Likely benign. Last evaluated: 2025-03-04. Review status: criteria provided, single submitter. Criteria: ACMG Guidelines, 2015. Collection method: clinical testing. Allele origin: germline.

Blueprint Genetics
Classification: Likely benign. Last evaluated: 2024-09-19. Review status: criteria provided, single submitter. Criteria: ACMG Guidelines, 2015. Collection method: clinical testing. Allele origin: germline.

Myriad Genetics, Inc.
Classification: Benign for BAP1-related tumor predisposition syndrome. Last evaluated: 2024-07-15. Review status: criteria provided, single submitter. Criteria: Myriad Autosomal Dominant, Autosomal Recessive and X-Linked Classification Criteria (2023). Collection method: clinical testing. Allele origin: unknown.
Comment: This variant is considered benign. This variant is a silent/synonymous amino acid change and it is not expected to impact splicing.

CeGaT Center for Human Genetics Tuebingen
Classification: Benign. Last evaluated: 2022-10-01. Review status: criteria provided, single submitter. Criteria: CeGaT Center For Human Genetics Tuebingen Variant Classification Criteria Version 2. Collection method: clinical testing. Allele origin: germline. Affected: yes. Observed: 1 variant allele.
Comment: BAP1: BS1, BS2

Department of Pathology and Laboratory Medicine, Sinai Health System
Classification: Likely benign for Melanoma, uveal, susceptibility to, 2; BAP1-related tumor predisposition syndrome; Kury-Isidor syndrome. Last evaluated: 2022-06-28. Review status: criteria provided, single submitter. Criteria: ACMG Guidelines, 2015. Collection method: clinical testing. Allele origin: germline. Affected: yes.

Sema4
Classification: Benign for Hereditary cancer-predisposing syndrome. Last evaluated: 2021-02-13. Review status: criteria provided, single submitter. Criteria: Sema4 Curation Guidelines. Collection method: curation. Allele origin: germline.

GeneDx
Classification: Likely benign. Last evaluated: 2019-02-22. Review status: criteria provided, single submitter. Criteria: GeneDx Variant Classification Process June 2021. Collection method: clinical testing. Allele origin: germline. Affected: yes.
Comment: This variant is associated with the following publications: (PMID: 25468148)

Illumina Laboratory Services, Illumina
Classification: Benign for BAP1-related tumor predisposition syndrome. Last evaluated: 2018-01-13. Review status: criteria provided, single submitter. Criteria: ICSL Variant Classification Criteria 13 December 2019. Collection method: clinical testing. Allele origin: germline.
Comment: This variant was observed in the ICSL laboratory as part of a predisposition screen in an ostensibly healthy population. It had not been previously curated by ICSL or reported in the Human Gene Mutation Database (HGMD: prior to June 1st, 2018), and was therefore a candidate for classification through an automated scoring system. Utilizing variant allele frequency, disease prevalence and penetrance estimates, and inheritance mode, an automated score was calculated to assess if this variant is too frequent to cause the disease. Based on the score and internal cut-off values, a variant classified as benign is not then subjected to further curation. The score for this variant resulted in a classification of benign for this disease.

Color Diagnostics, LLC DBA Color Health
Classification: Benign for Hereditary cancer-predisposing syndrome. Last evaluated: 2016-05-18. Review status: criteria provided, single submitter. Criteria: ACMG Guidelines, 2015. Collection method: clinical testing. Allele origin: germline.

Ambry Genetics
Classification: Benign for Hereditary cancer-predisposing syndrome. Last evaluated: 2015-05-18. Review status: criteria provided, single submitter. Criteria: Ambry Variant Classification Scheme 2023. Collection method: clinical testing. Allele origin: germline.

PreventionGenetics, part of Exact Sciences
Classification: Benign for BAP1-related condition. Last evaluated: 2019-04-12. Review status: no assertion criteria provided. Collection method: clinical testing. Allele origin: germline. Not counted in ClinVar's aggregate classification.
Comment: This variant is classified as benign based on ACMG/AMP sequence variant interpretation guidelines (Richards et al. 2015 PMID: 25741868, with internal and published modifications).

NM_004656.4(BAP1):c.912C>A (p.Ala304=)

Gene: BAP1 (BRCA1 associated deubiquitinase 1; minus strand). Cytogenetic location: 3p21.1.
Variant type: single nucleotide variant.
Coding change: c.912C>A on transcript NM_004656.4 (MANE Select); coding-DNA position 912, C replaced by A.
Protein change: p.Ala304=; no amino-acid change (alanine 304 retained).
Molecular consequence: synonymous variant.
Genome position (GRCh38, 1-based): chr3:52,405,784, G>T on the plus strand (C>A on the coding strand, the complement: BAP1 is on the minus strand). VCF-style: chr3-52405784-G-T. GRCh37 (hg19) VCF-style: chr3-52439800-G-T.
Other names: c.912C>A (LRG_529t1).
Identifiers: ClinVar variation 417294 (VCV000417294.51), dbSNP rs201809705, ClinGen allele CA2436974.